The following is an entry in ClinVar:

ClinVar aggregate classification (germline): Uncertain significance. Review status: criteria provided, multiple submitters, no conflicts (2 of 4 stars). 2 submissions from 2 submitters: Uncertain significance (2). Last evaluated 2024-04-30.

Conditions:
Colorectal cancer, hereditary nonpolyposis, type 7. Identifiers: Orphanet 144, MedGen C1858380, MONDO:0013725, OMIM 614385.

Allele frequency attached by ClinVar (database versions not stated): gnomAD exomes below 0.00001.
gnomAD v4.1: 1 of 1,613,944 alleles (0.000062%); highest among the groups gnomAD compares: Admixed American, 0.0017%; no homozygotes.

Submissions (2):

Ambry Genetics
Classification: Uncertain significance. Last evaluated: 2024-04-30. Review status: criteria provided, single submitter. Criteria: Ambry Variant Classification Scheme 2023. Collection method: clinical testing. Allele origin: germline.
Comment: The p.G536S variant (also known as c.1606G>A), located in coding exon 1 of the MLH3 gene, results from a G to A substitution at nucleotide position 1606. The glycine at codon 536 is replaced by serine, an amino acid with similar properties. This amino acid position is conserved. In addition, this alteration is predicted to be tolerated by in silico analysis. Since supporting evidence is limited at this time, the clinical significance of this alteration remains unclear.

Labcorp Genetics (formerly Invitae), Labcorp
Classification: Uncertain significance for Colorectal cancer, hereditary nonpolyposis, type 7. Last evaluated: 2021-11-29. Review status: criteria provided, single submitter. Criteria: Invitae Variant Classification Sherloc (09022015). Collection method: clinical testing. Allele origin: germline.
Comment: This sequence change replaces glycine, which is neutral and non-polar, with serine, which is neutral and polar, at codon 536 of the MLH3 protein (p.Gly536Ser). This variant is present in population databases (no rsID available, gnomAD 0.003%). This variant has not been reported in the literature in individuals affected with MLH3-related conditions. Algorithms developed to predict the effect of missense changes on protein structure and function output the following: SIFT: "Tolerated"; PolyPhen-2: "Benign"; Align-GVGD: "Class C0". The serine amino acid residue is found in multiple mammalian species, which suggests that this missense change does not adversely affect protein function. In summary, the available evidence is currently insufficient to determine the role of this variant in disease. Therefore, it has been classified as a Variant of Uncertain Significance.

NM_001040108.2(MLH3):c.1606G>A (p.Gly536Ser)

Gene: MLH3 (mutL homolog 3; minus strand). Cytogenetic location: 14q24.3.
Variant type: single nucleotide variant.
Coding change: c.1606G>A on transcript NM_001040108.2 (MANE Select); coding-DNA position 1606, G replaced by A.
Protein change: p.Gly536Ser; replaces glycine 536 with serine.
Molecular consequence: missense variant.
Genome position (GRCh38, 1-based): chr14:75,048,050, C>T on the plus strand (G>A on the coding strand, the complement: MLH3 is on the minus strand). VCF-style: chr14-75048050-C-T. GRCh37 (hg19) VCF-style: chr14-75514753-C-T.
Other names: c.1606G>A, p.Gly536Ser (NM_014381.3); short protein forms G536S.
Identifiers: ClinVar variation 1438008 (VCV001438008.9), dbSNP rs1367614553, ClinGen allele CA390444881.